The following is an entry in ClinVar:

ClinVar aggregate classification (germline): Benign (1 of 4 stars; one submission).

Allele frequency attached by ClinVar (database versions not stated): 1000 Genomes Project 30x 0.10275; TOPMed 0.13113; gnomAD 0.13209 and 0.13405; 1000 Genomes Project 0.10224; gnomAD exomes 0.13349.
gnomAD v4.1: 154,729 of 1,161,584 alleles (13%); highest among the groups gnomAD compares: Non-Finnish European, 14%; 11,058 homozygotes.

Submissions (5):

GeneDx
Classification: Benign. Last evaluated: 2018-06-15. Review status: criteria provided, single submitter. Criteria: GeneDx Variant Classification (06012015). Collection method: clinical testing. Allele origin: germline. Affected: yes.
Comment: This variant is considered likely benign or benign based on one or more of the following criteria: it is a conservative change, it occurs at a poorly conserved position in the protein, it is predicted to be benign by multiple in silico algorithms, and/or has population frequency not consistent with disease.

Dr. Peter K. Rogan Lab, Western University
No classification provided (evidence only). Condition: Thymoma. Review status: no classification provided. Collection method: in vitro. Allele origin: not applicable. Functional consequence: retained intron. Not counted in ClinVar's aggregate classification.

Dr. Peter K. Rogan Lab, Western University
No classification provided (evidence only). Condition: Thymoma. Review status: no classification provided. Collection method: in vitro. Allele origin: not applicable. Functional consequence: retained intron. Not counted in ClinVar's aggregate classification.

Dr. Peter K. Rogan Lab, Western University
No classification provided (evidence only). Condition: Thymoma. Review status: no classification provided. Collection method: in vitro. Allele origin: not applicable. Functional consequence: retained intron. Not counted in ClinVar's aggregate classification.

Dr. Peter K. Rogan Lab, Western University
No classification provided (evidence only). Condition: Cholangiocarcinoma. Review status: no classification provided. Collection method: in vitro. Allele origin: not applicable. Functional consequence: retained intron. Not counted in ClinVar's aggregate classification.

NM_006440.5(TXNRD2):c.374+127C>T

Gene: TXNRD2 (thioredoxin reductase 2; minus strand). Cytogenetic location: 22q11.21.
Variant type: single nucleotide variant.
Coding change: c.374+127C>T on transcript NM_006440.5 (MANE Select); 127 bases into the intron after coding-DNA position 374, C replaced by T.
Molecular consequence: intron variant.
Genome position (GRCh38, 1-based): chr22:19,918,733, G>A on the plus strand (C>T on the coding strand, the complement: TXNRD2 is on the minus strand). VCF-style: chr22-19918733-G-A. GRCh37 (hg19) VCF-style: chr22-19906256-G-A.
Other names: NC_000022.10:g.19906256G>A; c.371+127C>T (NM_001352300.2); c.86+127C>T (NM_001352302.2); c.284+127C>T (NM_001352301.2); c.374+127C>T (NM_001282512.3); c.278+127C>T (NM_001352303.2).
Identifiers: ClinVar variation 678085 (VCV000678085.2), dbSNP rs34751052, ClinGen allele CA322105558.